The following is an entry in ClinVar:

ClinVar aggregate classification (germline): Uncertain significance (1 of 4 stars; one submission).

Conditions:
Marfan syndrome (MFS). Also called: MARFAN SYNDROME, TYPE I; Marfan syndrome type 1; Marfan's syndrome; Marfan syndrome, classic; FBN1-Related Marfan Syndrome. Identifiers: Orphanet 284963, Orphanet 558, MedGen C0024796, MONDO:0007947, OMIM 154700.
Familial thoracic aortic aneurysm and aortic dissection (TAAD). Also called: Thoracic aortic aneurysms and dissections. Identifiers: Orphanet 91387, MedGen C4707243, MONDO:0019625.

Submission:

Labcorp Genetics (formerly Invitae), Labcorp
Classification: Uncertain significance for Marfan syndrome; Familial thoracic aortic aneurysm and aortic dissection. Last evaluated: 2021-08-07. Review status: criteria provided, single submitter. Criteria: Invitae Variant Classification Sherloc (09022015). Collection method: clinical testing. Allele origin: germline.
Comment: In summary, the available evidence is currently insufficient to determine the role of this variant in disease. Therefore, it has been classified as a Variant of Uncertain Significance. Advanced modeling of protein sequence and biophysical properties (such as structural, functional, and spatial information, amino acid conservation, physicochemical variation, residue mobility, and thermodynamic stability) performed at Invitae indicates that this missense variant is expected to disrupt FBN1 protein function. This variant has not been reported in the literature in individuals with FBN1-related conditions. This sequence change replaces tyrosine with cysteine at codon 2600 of the FBN1 protein (p.Tyr2600Cys). The tyrosine residue is highly conserved and there is a large physicochemical difference between tyrosine and cysteine. This variant is not present in population databases (ExAC no frequency).

NM_000138.5(FBN1):c.7799A>G (p.Tyr2600Cys)

Gene: FBN1 (fibrillin 1; minus strand). Cytogenetic location: 15q21.1.
Variant type: single nucleotide variant.
Coding change: c.7799A>G on transcript NM_000138.5 (MANE Select); coding-DNA position 7799, A replaced by G.
Protein change: p.Tyr2600Cys; replaces tyrosine 2600 with cysteine.
Molecular consequence: missense variant.
Genome position (GRCh38, 1-based): chr15:48,420,707, T>C on the plus strand (A>G on the coding strand, the complement: FBN1 is on the minus strand). VCF-style: chr15-48420707-T-C. GRCh37 (hg19) VCF-style: chr15-48712904-T-C.
Other names: short protein forms Y2600C.
Identifiers: ClinVar variation 1462761 (VCV001462761.8), dbSNP rs2141220639, ClinGen allele CA392324489.